The following is an entry in ClinVar:

NM_000088.4(COL1A1):c.3370-9G>A

Gene: COL1A1 (collagen type I alpha 1 chain; minus strand). Cytogenetic location: 17q21.33.
Variant type: single nucleotide variant.
Coding change: c.3370-9G>A on transcript NM_000088.4 (MANE Select); 9 bases into the intron before coding-DNA position 3370, G replaced by A.
Molecular consequence: intron variant.
Genome position (GRCh38, 1-based): chr17:50,187,546, C>T on the plus strand (G>A on the coding strand, the complement: COL1A1 is on the minus strand). VCF-style: chr17-50187546-C-T. GRCh37 (hg19) VCF-style: chr17-48264907-C-T.
Other names: p.?; c.3370-9G>A (NM_000088.3).
Identifiers: ClinVar variation 2842519 (VCV002842519.4), dbSNP rs2509170152, ClinGen allele CA2739268227.
Genomic context (GRCh38, chr17:50,187,546, plus strand): 5'-GGGGACCAGCAGGACCAGAGGCTCCAGAGGGACCTTGTTCACCAGGAGAGCCCTGAAGGA[C>T]AGATAAAAAAGGCAGTTCAGGCCCAGTGAGCGTCAAATGTAGCCTGAGGGCCTGGCTGGA-3'

ClinVar aggregate classification (germline): Likely benign. Review status: criteria provided, multiple submitters, no conflicts (2 of 4 stars). 2 submissions from 2 submitters: Likely benign (2). Last evaluated 2025-10-17.

Conditions:
Osteogenesis imperfecta type I (OI1). Also called: Lobstein's Disease; Lobstein disease; Classic Non-deforming Osteogenesis Imperfecta with Blue Sclerae; OI, TYPE I; OSTEOGENESIS IMPERFECTA TARDA; OSTEOGENESIS IMPERFECTA WITH BLUE SCLERAE. Identifiers: Orphanet 216796, Orphanet 666, MedGen C0023931, MONDO:0008146, OMIM 166200. Disease mechanism: loss of function.

Submissions (2):

Mayo Clinic Laboratories, Mayo Clinic
Classification: Likely benign. Last evaluated: 2025-10-17. Review status: criteria provided, single submitter. Criteria: ACMG Guidelines, 2015. Collection method: clinical testing. Allele origin: germline. Observed: 1 variant allele.
Comment: BP4, BP7, PM2_supporting

Labcorp Genetics (formerly Invitae), Labcorp
Classification: Likely benign for Osteogenesis imperfecta type I. Last evaluated: 2023-03-03. Review status: criteria provided, single submitter. Criteria: Invitae Variant Classification Sherloc (09022015). Collection method: clinical testing. Allele origin: germline.